The following is an entry in ClinVar:

ClinVar aggregate classification (germline): Uncertain significance (1 of 4 stars; one submission).

Conditions:
Centromeric instability of chromosomes 1,9 and 16 and immunodeficiency (ICF1). Also called: CENTROMERIC INSTABILITY, IMMUNODEFICIENCY SYNDROME; IMMUNE DEFICIENCY, VARIABLE, WITH CENTROMERIC INSTABILITY OF CHROMOSOMES 1, 9, AND 16; IMMUNODEFICIENCY SYNDROME, VARIABLE; Immunodeficiency-centromeric instability-facial anomalies. Identifiers: Orphanet 2268, MedGen C0398788, MONDO:0000133.

Submission:

Labcorp Genetics (formerly Invitae), Labcorp
Classification: Uncertain significance for Centromeric instability of chromosomes 1,9 and 16 and immunodeficiency. Last evaluated: 2025-10-07. Review status: criteria provided, single submitter. Criteria: Invitae Variant Classification Sherloc (09022015). Collection method: clinical testing. Allele origin: germline.
Comment: This sequence change replaces glycine, which is neutral and non-polar, with valine, which is neutral and non-polar, at codon 452 of the DNMT3B protein (p.Gly452Val). This variant is present in population databases (no rsID available, gnomAD 0.01%). This variant has not been reported in the literature in individuals affected with DNMT3B-related conditions. Invitae Evidence Modeling of protein sequence and biophysical properties (such as structural, functional, and spatial information, amino acid conservation, physicochemical variation, residue mobility, and thermodynamic stability) indicates that this missense variant is expected to disrupt DNMT3B protein function with a positive predictive value of 95%. In summary, the available evidence is currently insufficient to determine the role of this variant in disease. Therefore, it has been classified as a Variant of Uncertain Significance.

NM_006892.4(DNMT3B):c.1355G>T (p.Gly452Val)

Gene: DNMT3B (DNA methyltransferase 3 beta; plus strand). Cytogenetic location: 20q11.21.
Variant type: single nucleotide variant.
Coding change: c.1355G>T on transcript NM_006892.4 (MANE Select); coding-DNA position 1355, G replaced by T.
Protein change: p.Gly452Val; replaces glycine 452 with valine.
Molecular consequence: missense variant.
Genome position (GRCh38, 1-based): chr20:32,796,847, G>T. VCF-style: chr20-32796847-G-T. GRCh37 (hg19) VCF-style: chr20-31384653-G-T.
Other names: c.1169G>T, p.Gly390Val (NM_001207055.2, NM_001424354.1, NM_001424357.1); c.1067G>T, p.Gly356Val (NM_001207056.2); c.1355G>T, p.Gly452Val (NM_001424351.1, NM_001424355.1); c.1229G>T, p.Gly410Val (NM_001424352.1, NM_001424356.1, NM_001424358.1); c.1295G>T, p.Gly432Val (NM_001424353.1, NM_175848.2, NM_175849.2); c.1331G>T, p.Gly444Val (NM_001424359.1, NM_175850.3); c.1205G>T, p.Gly402Val (NM_001424360.1); short protein forms G356V, G402V, G444V, G432V, G452V, G390V, G410V.
Identifiers: ClinVar variation 4742485 (VCV004742485.1).